The following is an entry in ClinVar:

NM_001009944.3(PKD1):c.6804G>A (p.Trp2268Ter)

Gene: PKD1 (polycystin 1, transient receptor potential channel interacting; minus strand). Cytogenetic location: 16p13.3.
Variant type: single nucleotide variant.
Coding change: c.6804G>A on transcript NM_001009944.3 (MANE Select); coding-DNA position 6804, G replaced by A.
Protein change: p.Trp2268Ter; replaces tryptophan 2268 with a stop codon.
Molecular consequence: nonsense.
Genome position (GRCh38, 1-based): chr16:2,108,363, C>T on the plus strand (G>A on the coding strand, the complement: PKD1 is on the minus strand). VCF-style: chr16-2108363-C-T. GRCh37 (hg19) VCF-style: chr16-2158364-C-T.
Other names: c.6804G>A, p.Trp2268Ter (NM_000296.4); short protein forms W2268*.
Identifiers: ClinVar variation 3335839 (VCV003335839.3).

ClinVar aggregate classification (germline): Pathogenic. Review status: criteria provided, multiple submitters, no conflicts (2 of 4 stars). 2 submissions from 2 submitters: Pathogenic (2). Last evaluated 2025-03-26.

Conditions:
Polycystic kidney disease, adult type (PKD1). Also called: Polycystic Kidney, Autosomal Dominant; POLYCYSTIC KIDNEY DISEASE 1 WITH OR WITHOUT POLYCYSTIC LIVER DISEASE; POLYCYSTIC KIDNEY DISEASE, ADULT, TYPE I; Polycystic Kidney Disease 1, Autosomal Dominant; Polycystic kidney disease 1; Polycystic kidney disease 1, severe. Identifiers: MedGen C3149841, MONDO:0008263, OMIM 173900.

Submissions (2):

3billion
Classification: Pathogenic for Polycystic kidney disease, adult type. Last evaluated: 2025-03-26. Review status: criteria provided, single submitter. Criteria: ACMG Guidelines, 2015. Collection method: clinical testing. Allele origin: germline. Affected: yes.
Comment: The variant is not observed in the gnomAD v4.1.0 dataset. Predicted Consequence/Location: Stop-gained (nonsense): predicted to result in a loss or disruption of normal protein function through nonsense-mediated decay (NMD) or protein truncation. Multiple pathogenic variants are reported downstream of the variant. The variant has been reported to be associated with PKD1-related disorder (ClinVar ID: VCV003335839). Therefore, this variant is classified as Pathogenic according to the recommendation of ACMG/AMP guideline.

Juno Genomics, Hangzhou Juno Genomics, Inc
Classification: Pathogenic for Polycystic kidney disease, adult type. Review status: criteria provided, single submitter. Criteria: ACMG Guidelines, 2015. Collection method: clinical testing. Allele origin: germline. Affected: yes.
Comment: Absent from controls (or at extremely low frequency if recessive) in Genome Aggregation Database, Exome Sequencing Project, 1000 Genomes Project, or Exome Aggregation Consortium.;Null variant in a gene where loss of function (LOF) is a known mechanism of disease.;Patient's phenotype or family history is highly specific for a disease with a single genetic etiology.